The following is an entry in ClinVar:

ClinVar aggregate classification (germline): Pathogenic/Likely pathogenic. Review status: criteria provided, multiple submitters, no conflicts (2 of 4 stars). 3 submissions from 3 submitters: Pathogenic (1); Likely pathogenic (1). 1 of the submissions does not count toward it. Last evaluated 2025-02-27.

Conditions:
Polyglucosan body myopathy 1 without immunodeficiency. Identifiers: MedGen C4017232.
Polyglucosan body myopathy type 1 (PGBM1). Also called: POLYGLUCOSAN BODY MYOPATHY WITHOUT IMMUNODEFICIENCY; Polyglucosan body myopathy 1 with or without immunodeficiency. Identifiers: Orphanet 329173, Orphanet 397937, MedGen C4014605, MONDO:0014389, OMIM 615895.

Allele frequency attached by ClinVar (database versions not stated): TOPMed below 0.00001; gnomAD 0.00001; gnomAD exomes 0.00001 and 0.00002.

Submissions (3):

Labcorp Genetics (formerly Invitae), Labcorp
Classification: Pathogenic for Polyglucosan body myopathy type 1. Last evaluated: 2025-02-27. Review status: criteria provided, single submitter. Criteria: Invitae Variant Classification Sherloc (09022015). Collection method: clinical testing. Allele origin: germline.
Comment: This sequence change creates a premature translational stop signal (p.Glu235Glyfs*67) in the RBCK1 gene. It is expected to result in an absent or disrupted protein product. Loss-of-function variants in RBCK1 are known to be pathogenic (PMID: 2379848, 23104095, 23889995). This variant is present in population databases (rs730880330, gnomAD 0.03%). This premature translational stop signal has been observed in individual(s) with progressive muscular weakness and cardiomyopathy (PMID: 23889995). This variant is also known as p.E190fs. ClinVar contains an entry for this variant (Variation ID: 140630). For these reasons, this variant has been classified as Pathogenic.

Revvity Omics, Revvity
Classification: Likely pathogenic for Polyglucosan body myopathy type 1. Last evaluated: 2022-04-30. Review status: criteria provided, single submitter. Criteria: ACMG Guidelines, 2015. Collection method: clinical testing. Allele origin: germline.

OMIM
Classification: Pathogenic for POLYGLUCOSAN BODY MYOPATHY 1 WITHOUT IMMUNODEFICIENCY. Last evaluated: 2013-01-01. Review status: no assertion criteria provided. Collection method: literature only. Allele origin: germline. Not counted in ClinVar's aggregate classification.

Literature cited by the submitters: PubMed 2379848 (cited by Labcorp Genetics (formerly Invitae), Labcorp); PubMed 23104095 (cited by Labcorp Genetics (formerly Invitae), Labcorp); PubMed 23889995 (cited by Labcorp Genetics (formerly Invitae), Labcorp and OMIM).

NM_031229.4(RBCK1):c.697_703dup (p.Glu235fs)

Gene: RBCK1 (RANBP2-type and C3HC4-type zinc finger containing 1; plus strand). Cytogenetic location: 20p13.
Variant type: Duplication.
Coding change: c.697_703dup on transcript NM_031229.4 (MANE Select); coding-DNA positions 697 to 703, 7 bases duplicated (GACGAGG; older notation c.697_703dupGACGAGG).
Protein change: p.Glu235fs; shifts the reading frame from glutamic acid 235.
Molecular consequence: frameshift variant. On other transcripts: non-coding transcript variant (1).
Genome position (GRCh38, 1-based): chr20:419,672-419,678, GACGAGG duplicated. VCF-style (leftmost placement, unchanged base first): chr20-419671-C-CGACGAGG. GRCh37 (hg19) VCF-style: chr20-400315-C-CGACGAGG.
Other names: c.348_354dup, p.Arg119fs (NM_001323956.2, NM_001323958.2); c.571_577dup, p.Glu193fs (NM_006462.6); short protein forms E193fs, E235fs, R119fs.
Identifiers: ClinVar variation 140630 (VCV000140630.14), dbSNP rs730880330, ClinGen allele CA163465.
Genomic context (GRCh38, chr20:419,671, plus strand): 5'-CTGTGAGATGTGCTGCCGGGCGCGCCCCGAGGCCTACCAGGTCCCCGCCTCATACCAGCC[C>CGACGAGG]GACGAGGAGGAGCGAGCGCGCCTGGCGGGCGAGGAGGAGGCGCTGCGTCAGTACCAGCAG-3'